The following is an entry in ClinVar:

NM_001281740.3(FHOD3):c.1943T>C (p.Ile648Thr)

Gene: FHOD3 (formin homology 2 domain containing 3; plus strand). Cytogenetic location: 18q12.2.
Variant type: single nucleotide variant.
Coding change: c.1943T>C on transcript NM_001281740.3 (MANE Select); coding-DNA position 1943, T replaced by C.
Protein change: p.Ile648Thr; replaces isoleucine 648 with threonine.
Molecular consequence: missense variant.
Genome position (GRCh38, 1-based): chr18:36,681,543, T>C. VCF-style: chr18-36681543-T-C. GRCh37 (hg19) VCF-style: chr18-34261506-T-C.
Other names: c.1418T>C, p.Ile473Thr (NM_001281739.3, NM_025135.5); short protein forms I473T, I648T.
Identifiers: ClinVar variation 873501 (VCV000873501.29), dbSNP rs144993045, ClinGen allele CA8941703.

ClinVar aggregate classification (germline): Conflicting classifications of pathogenicity. Review status: criteria provided, conflicting classifications (1 of 4 stars). 5 submissions from 5 submitters: Uncertain significance (4); Likely benign (1). Last evaluated 2026-04-15.

Conditions:
Hypertrophic cardiomyopathy 7. Also called: TNNI3-Related Familial Hypertrophic Cardiomyopathy; Familial hypertrophic cardiomyopathy 7; CARDIOMYOPATHY, FAMILIAL HYPERTROPHIC, 7, MODIFIER OF. Identifiers: MedGen C1860752, MONDO:0013369, OMIM 613690.
FHOD3-related disorder. Also called: FHOD3-related condition.
Hypertrophic cardiomyopathy. Also called: HYPERTROPHIC MYOCARDIOPATHY. Identifiers: Orphanet 217569, MedGen C0007194, MeSH D002312, MONDO:0005045, HP:0001639.

Allele frequency attached by ClinVar (database versions not stated): ExAC 0.00005; gnomAD 0.00007; gnomAD exomes 0.00007 and 0.00009; ESP Exome Variant Server 0.00008; TOPMed 0.00008.
gnomAD v4.1: 146 of 1,613,618 alleles (0.009%); highest among the groups gnomAD compares: Non-Finnish European, 0.011%; no homozygotes.

Submissions (5):

PreventionGenetics, part of Exact Sciences
Classification: Uncertain significance for FHOD3-related condition. Last evaluated: 2026-04-15. Review status: criteria provided, single submitter. Criteria: ACMG Guidelines, 2015. Collection method: clinical testing. Allele origin: germline.
Comment: The FHOD3 c.1943T>C variant is predicted to result in the amino acid substitution p.Ile648Thr. To our knowledge, this variant has not been reported in the literature. This variant is reported in 0.014% of alleles in individuals of European (Non-Finnish) descent in gnomAD. At this time, the clinical significance of this variant is uncertain due to the absence of conclusive functional and genetic evidence.

Molecular Genetics, Royal Melbourne Hospital
Classification: Uncertain significance for Hypertrophic cardiomyopathy. Last evaluated: 2024-09-08. Review status: criteria provided, single submitter. Criteria: ACMG Guidelines, 2015. Collection method: clinical testing. Allele origin: germline. Inheritance: Autosomal dominant inheritance. Affected: yes.
Comment: This sequence change in FHOD3 is predicted to replace isoleucine with threonine at codon 648, p.(Ile648Thr). The isoleucine residue is highly conserved (100 vertebrates, Multiz Alignments), and is located in the coiled-coil domain, a region (amino acids 622 - 655) defined as a mutational hotspot (PMID: 30442288). There is a moderate physicochemical difference between isoleucine and threonine. The highest population minor allele frequency in the population database gnomAD v4.1 is 0.01% (133/1,179,836 alleles) in the European (non-Finnish) population. The prevalence of the variant in individuals with hypertrophic cardiomyopathy (HCM) is significantly increased compared with the prevalence in the population (4 in 367 case genotypes vs 133 in 589,918 control genotypes; odds ratio 48.86, 95%CI=17.98-132.82; PMID: 38489124, DOI 10.1093/europace/euaa162.080; gnomAD v4.1). Computational evidence predicts a benign effect for the missense substitution (REVEL = 0.283) and no impact on splicing (SpliceAI) for the nucleotide change. Based on the classification scheme RMH Modified ACMG/AMP Guidelines v1.7.0, this variant is classified as a VARIANT OF UNCERTAIN SIGNIFICANCE. Following criteria are met: PM1, PS4_Moderate, BP4

Blueprint Genetics
Classification: Likely benign. Last evaluated: 2024-06-28. Review status: criteria provided, single submitter. Criteria: ACMG Guidelines, 2015. Collection method: clinical testing. Allele origin: germline.

CeGaT Center for Human Genetics Tuebingen
Classification: Uncertain significance. Last evaluated: 2024-02-01. Review status: criteria provided, single submitter. Criteria: CeGaT Center For Human Genetics Tuebingen Variant Classification Criteria Version 2. Collection method: clinical testing. Allele origin: germline. Affected: yes. Observed: 2 variant alleles.

Illumina Laboratory Services, Illumina
Classification: Uncertain significance for Hypertrophic cardiomyopathy 7. Last evaluated: 2020-01-23. Review status: criteria provided, single submitter. Criteria: ICSLVariantClassificationCriteria RUGD 01 April 2020. Collection method: clinical testing. Allele origin: unknown.
Comment: The FHOD3 c.1943T>C (p.Ile648Thr) variant is a missense variant. A literature search was performed for the gene, cDNA change, and amino acid change. No publications were found based on this search. This variant is reported at a frequency of 0.000140 in the European (non-Finnish) population of the Genome Aggregation Database. The p.Ile648Thr variant is located in the coiled-coil region of the protein, which is conserved and has been identified by Ochoa et al. (2018) as a region with clinically significant variants. Based on the limited evidence, the p.Ile648Thr variant is classified as a variant of unknown significance for hypertrophy cardiomyopathy.

Literature cited by the submitters: PubMed 30442288 (cited by Molecular Genetics, Royal Melbourne Hospital and Illumina Laboratory Services, Illumina); PubMed 38489124 (cited by Molecular Genetics, Royal Melbourne Hospital).